The following is an entry in ClinVar:

ClinVar aggregate classification (germline): Uncertain significance (1 of 4 stars; one submission).

Conditions:
BAP1-related tumor predisposition syndrome (TPDS1). Also called: Tumor susceptibility linked to germline BAP1 mutations; COMMON Syndrome; TUMOR PREDISPOSITION SYNDROME 1; BAP1 tumor predisposition syndrome. Identifiers: Orphanet 289539, MedGen C3280492, MONDO:0013692, OMIM 614327.

Submission:

Labcorp Genetics (formerly Invitae), Labcorp
Classification: Uncertain significance for BAP1-related tumor predisposition syndrome. Last evaluated: 2024-04-08. Review status: criteria provided, single submitter. Criteria: Invitae Variant Classification Sherloc (09022015). Collection method: clinical testing. Allele origin: germline.
Comment: This sequence change replaces asparagine, which is neutral and polar, with histidine, which is basic and polar, at codon 547 of the BAP1 protein (p.Asn547His). This variant is not present in population databases (gnomAD no frequency). This variant has not been reported in the literature in individuals affected with BAP1-related conditions. Advanced modeling of protein sequence and biophysical properties (such as structural, functional, and spatial information, amino acid conservation, physicochemical variation, residue mobility, and thermodynamic stability) has been performed at Invitae for this missense variant, however the output from this modeling did not meet the statistical confidence thresholds required to predict the impact of this variant on BAP1 protein function. In summary, the available evidence is currently insufficient to determine the role of this variant in disease. Therefore, it has been classified as a Variant of Uncertain Significance.

NM_004656.4(BAP1):c.1639A>C (p.Asn547His)

Gene: BAP1 (BRCA1 associated deubiquitinase 1; minus strand). Cytogenetic location: 3p21.1.
Variant type: single nucleotide variant.
Coding change: c.1639A>C on transcript NM_004656.4 (MANE Select); coding-DNA position 1639, A replaced by C.
Protein change: p.Asn547His; replaces asparagine 547 with histidine.
Molecular consequence: missense variant.
Genome position (GRCh38, 1-based): chr3:52,403,506, T>G on the plus strand (A>C on the coding strand, the complement: BAP1 is on the minus strand). VCF-style: chr3-52403506-T-G. GRCh37 (hg19) VCF-style: chr3-52437522-T-G.
Other names: c.1585A>C, p.Asn529His (NM_001410772.1); short protein forms N529H, N547H.
Identifiers: ClinVar variation 3707256 (VCV003707256.2).
Genomic context (GRCh38, chr3:52,403,506, plus strand): 5'-CCTCAGCCAGGTGCAGCAGGCCTGTGCTGATGACAGGACCCAGATCACGGACAGCACGGT[T>G]GTAGCGTATGCAGTCAACACGCAGCAGGCTGTCATCCTCTCCAAAAAGCACCTTGGAGAT-3'
Protein context (NP_004647.1, residues 537-557): SLLRVDCIRY[Asn547His]RAVRDLGPVI